The following is an entry in ClinVar:

ClinVar aggregate classification (germline): Uncertain significance (1 of 4 stars; one submission).

Allele frequency attached by ClinVar (database versions not stated): gnomAD exomes 0.00001; ExAC 0.00007; gnomAD 0.00017; TOPMed 0.00019; 1000 Genomes Project 0.00060; 1000 Genomes Project 30x 0.00062.
gnomAD v4.1: 47 of 1,606,298 alleles (0.0029%); highest among the groups gnomAD compares: African/African-American, 0.052%; 1 homozygote.

Submission:

Labcorp Genetics (formerly Invitae), Labcorp
Classification: Uncertain significance. Last evaluated: 2025-05-26. Review status: criteria provided, single submitter. Criteria: Invitae Variant Classification Sherloc (09022015). Collection method: clinical testing. Allele origin: germline.
Comment: This sequence change replaces alanine, which is neutral and non-polar, with glycine, which is neutral and non-polar, at codon 13 of the ATP5A1 protein (p.Ala13Gly). This variant is present in population databases (rs573578462, gnomAD 0.08%), and has an allele count higher than expected for a pathogenic variant. This variant has not been reported in the literature in individuals affected with ATP5A1-related conditions. ClinVar contains an entry for this variant (Variation ID: 2056715). Experimental studies and prediction algorithms are not available or were not evaluated, and the functional significance of this variant is currently unknown. In summary, the available evidence is currently insufficient to determine the role of this variant in disease. Therefore, it has been classified as a Variant of Uncertain Significance.

NM_004046.6(ATP5F1A):c.38C>G (p.Ala13Gly)

Genes: ATP5F1A (ATP synthase F1 subunit alpha; minus strand), LOC126862738 (BRD4-independent group 4 enhancer GRCh37_chr18:43677662-43678861; plus strand). Cytogenetic location: 18q21.1.
Variant type: single nucleotide variant.
Coding change: c.38C>G on transcript NM_004046.6 (MANE Select); coding-DNA position 38, C replaced by G.
Protein change: p.Ala13Gly; replaces alanine 13 with glycine.
Molecular consequence: missense variant. On other transcripts: 5 prime UTR variant (2).
Genome position (GRCh38, 1-based): chr18:46,098,194, G>C on the plus strand (C>G on the coding strand, the complement: ATP5F1A is on the minus strand). VCF-style: chr18-46098194-G-C. GRCh37 (hg19) VCF-style: chr18-43678160-G-C.
Other names: c.-186C>G (NM_001001935.3); c.38C>G, p.Ala13Gly (NM_001001937.2, NM_001257334.2); c.-449C>G (NM_001257335.2); short protein forms A13G.
Identifiers: ClinVar variation 2056715 (VCV002056715.4), dbSNP rs573578462, ClinGen allele CA8950993.